The following is an entry in ClinVar:

ClinVar aggregate classification (germline): Uncertain significance. Review status: criteria provided, multiple submitters, no conflicts (2 of 4 stars). 3 submissions from 3 submitters: Uncertain significance (3). Last evaluated 2025-10-11.

Conditions:
Hereditary cancer-predisposing syndrome. Also called: Neoplastic Syndromes, Hereditary; Tumor predisposition; Hereditary Cancer Syndrome; Hereditary neoplastic syndrome. Identifiers: Orphanet 140162, MedGen C0027672, MeSH D009386, MONDO:0015356.

Allele frequency attached by ClinVar (database versions not stated): TOPMed below 0.00001; gnomAD 0.00001.

Submissions (3):

Ambry Genetics
Classification: Uncertain significance for Hereditary cancer-predisposing syndrome. Last evaluated: 2025-10-11. Review status: criteria provided, single submitter. Criteria: Ambry Variant Classification Scheme 2023. Collection method: clinical testing. Allele origin: germline.
Comment: The p.S1723F variant (also known as c.5168C>T), located in coding exon 38 of the POLE gene, results from a C to T substitution at nucleotide position 5168. The serine at codon 1723 is replaced by phenylalanine, an amino acid with highly dissimilar properties. This amino acid position is conserved. In addition, the in silico prediction for this alteration is inconclusive. Since supporting evidence is limited at this time, the clinical significance of this alteration remains unclear.

Center for Genomic Medicine, Rigshospitalet, Copenhagen University Hospital
Classification: Uncertain significance. Last evaluated: 2025-03-04. Review status: criteria provided, single submitter. Criteria: ACMG Guidelines, 2015. Collection method: clinical testing. Allele origin: germline.

Labcorp Genetics (formerly Invitae), Labcorp
Classification: Uncertain significance. Last evaluated: 2025-01-02. Review status: criteria provided, single submitter. Criteria: Invitae Variant Classification Sherloc (09022015). Collection method: clinical testing. Allele origin: germline.
Comment: This sequence change replaces serine, which is neutral and polar, with phenylalanine, which is neutral and non-polar, at codon 1723 of the POLE protein (p.Ser1723Phe). This variant is not present in population databases (gnomAD no frequency). This variant has not been reported in the literature in individuals affected with POLE-related conditions. ClinVar contains an entry for this variant (Variation ID: 473713). Invitae Evidence Modeling of protein sequence and biophysical properties (such as structural, functional, and spatial information, amino acid conservation, physicochemical variation, residue mobility, and thermodynamic stability) indicates that this missense variant is not expected to disrupt POLE protein function with a negative predictive value of 80%. In summary, the available evidence is currently insufficient to determine the role of this variant in disease. Therefore, it has been classified as a Variant of Uncertain Significance.

NM_006231.4(POLE):c.5168C>T (p.Ser1723Phe)

Gene: POLE (DNA polymerase epsilon, catalytic subunit; minus strand). Cytogenetic location: 12q24.33.
Variant type: single nucleotide variant.
Coding change: c.5168C>T on transcript NM_006231.4 (MANE Select); coding-DNA position 5168, C replaced by T.
Protein change: p.Ser1723Phe; replaces serine 1723 with phenylalanine.
Molecular consequence: missense variant.
Genome position (GRCh38, 1-based): chr12:132,642,182, G>A on the plus strand (C>T on the coding strand, the complement: POLE is on the minus strand). VCF-style: chr12-132642182-G-A. GRCh37 (hg19) VCF-style: chr12-133218768-G-A.
Other names: c.5168C>T (NM_006231.2); short protein forms S1723F.
Identifiers: ClinVar variation 473713 (VCV000473713.16), dbSNP rs996998835, ClinGen allele CA246303220.
Genomic context (GRCh38, chr12:132,642,182, plus strand): 5'-AGAATGGCAGAAACACCAGCCAGGTCTCATGGGCCTCGTCCTCCCGCCCACTTACCTGTG[G>A]AGTAACAGCCTGAACTGTTGATCTCAACAGTGGCTTGGTCATCGAACTCCATGACAAGAC-3'
Protein context (NP_006222.2, residues 1713-1733): TVEINSSGCY[Ser1723Phe]TVCVELDLQN